The following is an entry in ClinVar:

NM_001205293.3(CACNA1E):c.3828+2T>C

Gene: CACNA1E (calcium voltage-gated channel subunit alpha1 E; plus strand). Cytogenetic location: 1q25.3.
Variant type: single nucleotide variant.
Coding change: c.3828+2T>C on transcript NM_001205293.3 (MANE Select); the canonical splice donor site of the intron after coding-DNA position 3828, T replaced by C.
Molecular consequence: splice donor variant.
Genome position (GRCh38, 1-based): chr1:181,752,241, T>C. VCF-style: chr1-181752241-T-C. GRCh37 (hg19) VCF-style: chr1-181721377-T-C.
Other names: c.3828+2T>C (NM_000721.4); c.3771+2T>C (NM_001205294.2).
Identifiers: ClinVar variation 3364687 (VCV003364687.1).
Genomic context (GRCh38, chr1:181,752,241, plus strand): 5'-TGCGGGTGCTCCGAGTTCTAAGGCCACTGAAAACCATCAAGCGCTTGCCCAAGCTCAAGG[T>C]AGTGTTTACAGAGTTTGTTCCCATCAAATCCCCTTCTCCCATCTTCTCTCTTTAGCCATG-3'

ClinVar aggregate classification (germline): Uncertain significance (1 of 4 stars; one submission).

Submission:

GeneDx
Classification: Uncertain significance. Last evaluated: 2023-11-19. Review status: criteria provided, single submitter. Criteria: GeneDx Variant Classification Process June 2021. Collection method: clinical testing. Allele origin: germline. Affected: yes.
Comment: Canonical splice site variant in a gene or region of a gene for which loss of function is not a well-established mechanism of disease; Not observed at significant frequency in large population cohorts (gnomAD); Has not been previously published as pathogenic or benign to our knowledge